The following is an entry in ClinVar:

ClinVar aggregate classification (germline): Uncertain significance (1 of 4 stars; one submission).

Submission:

GeneDx
Classification: Uncertain significance. Last evaluated: 2022-11-29. Review status: criteria provided, single submitter. Criteria: GeneDx Variant Classification Process June 2021. Collection method: clinical testing. Allele origin: germline. Affected: yes.
Comment: Not observed at significant frequency in large population cohorts (gnomAD); In silico analysis supports that this missense variant has a deleterious effect on protein structure/function; Has not been previously published as pathogenic or benign to our knowledge

NM_001348716.2(KDM6B):c.3422A>C (p.Asp1141Ala)

Gene: KDM6B (lysine demethylase 6B; plus strand). Cytogenetic location: 17p13.1.
Variant type: single nucleotide variant.
Coding change: c.3422A>C on transcript NM_001348716.2 (MANE Select); coding-DNA position 3422, A replaced by C.
Protein change: p.Asp1141Ala; replaces aspartic acid 1141 with alanine.
Molecular consequence: missense variant.
Genome position (GRCh38, 1-based): chr17:7,849,710, A>C. VCF-style: chr17-7849710-A-C. GRCh37 (hg19) VCF-style: chr17-7753028-A-C.
Other names: c.3422A>C, p.Asp1141Ala (NM_001080424.2); short protein forms D1141A.
Identifiers: ClinVar variation 2504400 (VCV002504400.1), dbSNP rs2544529456, ClinGen allele CA397923843.